The following is an entry in ClinVar:

ClinVar aggregate classification (germline): Uncertain significance. Review status: criteria provided, multiple submitters, no conflicts (2 of 4 stars). 5 submissions from 5 submitters: Uncertain significance (4). 1 of the submissions does not count toward it. Last evaluated 2026-07-22.

Conditions:
Inborn genetic diseases. Identifiers: MedGen C0950123, MeSH D030342.
Usher syndrome type 1 (USH1). Also called: RETINITIS PIGMENTOSA AND CONGENITAL DEAFNESS. Identifiers: Orphanet 231169, Orphanet 886, MedGen C1568247, MONDO:0010168, OMIM 276900.

Allele frequency attached by ClinVar (database versions not stated): gnomAD 0.00001; ExAC 0.00002; TOPMed 0.00001; gnomAD exomes 0.00001.
gnomAD v4.1: 4 of 1,612,618 alleles (0.00025%); highest among the groups gnomAD compares: Admixed American, 0.0067%; no homozygotes.

Submissions (5):

GeneDx
Classification: Uncertain significance. Last evaluated: 2026-07-22. Review status: criteria provided, single submitter. Criteria: GeneDx Variant Classification Process June 2021. Collection method: clinical testing. Allele origin: germline.
Comment: Not observed at significant frequency in large population cohorts (gnomAD); In silico analysis supports that this missense variant has a deleterious effect on protein structure/function; Has not been previously published as pathogenic or benign to our knowledge

Labcorp Genetics (formerly Invitae), Labcorp
Classification: Uncertain significance. Last evaluated: 2024-05-23. Review status: criteria provided, single submitter. Criteria: Invitae Variant Classification Sherloc (09022015). Collection method: clinical testing. Allele origin: germline.
Comment: This sequence change replaces aspartic acid, which is acidic and polar, with valine, which is neutral and non-polar, at codon 589 of the CDH23 protein (p.Asp589Val). This variant is present in population databases (rs753165881, gnomAD 0.006%). This missense change has been observed in individual(s) with clinical features of Usher syndrome and/or deafness (Invitae). ClinVar contains an entry for this variant (Variation ID: 968393). Advanced modeling of protein sequence and biophysical properties (such as structural, functional, and spatial information, amino acid conservation, physicochemical variation, residue mobility, and thermodynamic stability) has been performed at Invitae for this missense variant, however the output from this modeling did not meet the statistical confidence thresholds required to predict the impact of this variant on CDH23 protein function. In summary, the available evidence is currently insufficient to determine the role of this variant in disease. Therefore, it has been classified as a Variant of Uncertain Significance.

Ambry Genetics
Classification: Uncertain significance for Inborn genetic diseases. Last evaluated: 2024-03-01. Review status: criteria provided, single submitter. Criteria: Ambry Variant Classification Scheme 2023. Collection method: clinical testing. Allele origin: germline.

Blueprint Genetics
Classification: Uncertain significance. Last evaluated: 2022-04-04. Review status: criteria provided, single submitter. Criteria: ACMG Guidelines, 2015. Collection method: clinical testing. Allele origin: germline.

Natera, Inc.
Classification: Uncertain significance for Usher syndrome type 1. Last evaluated: 2020-12-01. Review status: no assertion criteria provided. Collection method: clinical testing. Allele origin: germline. Not counted in ClinVar's aggregate classification.

NM_022124.6(CDH23):c.1766A>T (p.Asp589Val)

Gene: CDH23 (cadherin related 23; plus strand). Cytogenetic location: 10q22.1.
Variant type: single nucleotide variant.
Coding change: c.1766A>T on transcript NM_022124.6 (MANE Select); coding-DNA position 1766, A replaced by T.
Protein change: p.Asp589Val; replaces aspartic acid 589 with valine.
Molecular consequence: missense variant.
Genome position (GRCh38, 1-based): chr10:71,679,400, A>T. VCF-style: chr10-71679400-A-T. GRCh37 (hg19) VCF-style: chr10-73439157-A-T.
Other names: c.1766A>T, p.Asp589Val (NM_001171930.2, NM_001171931.2); short protein forms D589V.
Identifiers: ClinVar variation 968393 (VCV000968393.8), dbSNP rs753165881, ClinGen allele CA5543959.